The following is an entry in ClinVar:

ClinVar aggregate classification (germline): Uncertain significance. Review status: criteria provided, multiple submitters, no conflicts (2 of 4 stars). 2 submissions from 2 submitters: Uncertain significance (2). Last evaluated 2024-07-06.

Allele frequency attached by ClinVar (database versions not stated): gnomAD exomes 0.00001; ExAC 0.00002; gnomAD 0.00003.
gnomAD v4.1: 15 of 1,613,800 alleles (0.00093%); highest among the groups gnomAD compares: African/African-American, 0.013%; no homozygotes.

Submissions (2):

GeneDx
Classification: Uncertain significance. Last evaluated: 2024-07-06. Review status: criteria provided, single submitter. Criteria: GeneDx Variant Classification Process June 2021. Collection method: clinical testing. Allele origin: germline. Affected: yes.
Comment: In silico analysis supports that this missense variant has a deleterious effect on protein structure/function; Has not been previously published as pathogenic or benign to our knowledge

Mendelics
Classification: Uncertain significance. Last evaluated: 2022-05-04. Review status: criteria provided, single submitter. Criteria: Mendelics Assertion Criteria 2019. Collection method: clinical testing. Allele origin: germline.

NM_000451.4(SHOX):c.336G>C (p.Gln112His)

Genes: SHOX (SHOX homeobox; plus strand), LOC107652445 (meiotic recombination hotspot SHOX; plus strand). Cytogenetic location: Xp22.33.
Variant type: single nucleotide variant.
Coding change: c.336G>C on transcript NM_000451.4 (MANE Select); coding-DNA position 336, G replaced by C.
Protein change: p.Gln112His; replaces glutamine 112 with histidine.
Molecular consequence: missense variant.
Genome position (GRCh38, 1-based): chrX:634,676, G>C. VCF-style: chrX-634676-G-C. GRCh37 (hg19) VCF-style: chrX-595411-G-C.
Other names: c.336G>C, p.Gln112His (NM_006883.2); c.336G>C (NM_000451.3); short protein forms Q112H.
Identifiers: ClinVar variation 1685111 (VCV001685111.2), dbSNP rs779090116, ClinGen allele CA10329954.